The following is an entry in ClinVar:

ClinVar aggregate classification (germline): Uncertain significance (1 of 4 stars; one submission).

Conditions:
Cardiovascular phenotype. Identifiers: MedGen CN230736.

gnomAD v4.1: 8 of 1,612,582 alleles (0.0005%); highest among the groups gnomAD compares: Non-Finnish European, 0.00068%; no homozygotes.

Submission:

Ambry Genetics
Classification: Uncertain significance for Cardiovascular phenotype. Last evaluated: 2024-07-06. Review status: criteria provided, single submitter. Criteria: Ambry Variant Classification Scheme 2023. Collection method: clinical testing. Allele origin: germline.
Comment: The p.A1355P variant (also known as c.4063G>C), located in coding exon 6 of the ALPK3 gene, results from a G to C substitution at nucleotide position 4063. The alanine at codon 1355 is replaced by proline, an amino acid with highly similar properties. This amino acid position is conserved. In addition, this alteration is predicted to be tolerated by in silico analysis. Based on the available evidence, the clinical significance of this variant remains unclear.

NM_020778.5(ALPK3):c.3457G>C (p.Ala1153Pro)

Gene: ALPK3 (alpha kinase 3; plus strand). Cytogenetic location: 15q25.3.
Variant type: single nucleotide variant.
Coding change: c.3457G>C on transcript NM_020778.5 (MANE Select); coding-DNA position 3457, G replaced by C.
Protein change: p.Ala1153Pro; replaces alanine 1153 with proline.
Molecular consequence: missense variant.
Genome position (GRCh38, 1-based): chr15:84,858,195, G>C. VCF-style: chr15-84858195-G-C. GRCh37 (hg19) VCF-style: chr15-85401426-G-C.
Other names: short protein forms A1153P.
Identifiers: ClinVar variation 3532833 (VCV003532833.1).